The following is an entry in ClinVar:

NM_004304.5(ALK):c.3890C>T (p.Pro1297Leu)

Gene: ALK (ALK receptor tyrosine kinase; minus strand). Cytogenetic location: 2p23.2.
Variant type: single nucleotide variant.
Coding change: c.3890C>T on transcript NM_004304.5 (MANE Select); coding-DNA position 3890, C replaced by T.
Protein change: p.Pro1297Leu; replaces proline 1297 with leucine.
Molecular consequence: missense variant.
Genome position (GRCh38, 1-based): chr2:29,207,219, G>A on the plus strand (C>T on the coding strand, the complement: ALK is on the minus strand). VCF-style: chr2-29207219-G-A. GRCh37 (hg19) VCF-style: chr2-29430085-G-A.
Other names: c.686C>T, p.Pro229Leu (NM_001353765.2); short protein forms P229L, P1297L.
Identifiers: ClinVar variation 850139 (VCV000850139.9), dbSNP rs1669334369, ClinGen allele CA346468753.

ClinVar aggregate classification (germline): Uncertain significance (1 of 4 stars; one submission).

Conditions:
Neuroblastoma, susceptibility to, 3. Also called: ALK-Related Neuroblastic Tumor Susceptibility. Identifiers: Orphanet 635, MedGen C2751681, MONDO:0013083, OMIM 613014.

Submission:

Labcorp Genetics (formerly Invitae), Labcorp
Classification: Uncertain significance for Neuroblastoma, susceptibility to, 3. Last evaluated: 2019-03-18. Review status: criteria provided, single submitter. Criteria: Invitae Variant Classification Sherloc (09022015). Collection method: clinical testing. Allele origin: germline.
Comment: This sequence change replaces proline with leucine at codon 1297 of the ALK protein (p.Pro1297Leu). The proline residue is highly conserved and there is a moderate physicochemical difference between proline and leucine. Algorithms developed to predict the effect of missense changes on protein structure and function (SIFT, PolyPhen-2, Align-GVGD) all suggest that this variant is likely to be disruptive, but these predictions have not been confirmed by published functional studies and their clinical significance is uncertain. In summary, the available evidence is currently insufficient to determine the role of this variant in disease. Therefore, it has been classified as a Variant of Uncertain Significance. This variant is not present in population databases (ExAC no frequency). This variant has not been reported in the literature in individuals with ALK-related conditions.